The following is an entry in ClinVar:

ClinVar aggregate classification (germline): Pathogenic (1 of 4 stars; one submission).

Submission:

Labcorp Genetics (formerly Invitae), Labcorp
Classification: Pathogenic. Last evaluated: 2025-04-02. Review status: criteria provided, single submitter. Criteria: Invitae Variant Classification Sherloc (09022015). Collection method: clinical testing. Allele origin: germline.
Comment: This sequence change creates a premature translational stop signal (p.Tyr5329*) in the ADGRV1 gene. It is expected to result in an absent or disrupted protein product. Loss-of-function variants in ADGRV1 are known to be pathogenic (PMID: 19357117, 22135276, 22147658, 26226137, 30718709, 31047384, 32467589). This variant is not present in population databases (gnomAD no frequency). This variant has not been reported in the literature in individuals affected with ADGRV1-related conditions. For these reasons, this variant has been classified as Pathogenic.

Literature cited by the submitters: PubMed 19357117; PubMed 22135276; PubMed 22147658; PubMed 26226137; PubMed 30718709; PubMed 31047384; PubMed 32467589.

NM_032119.4(ADGRV1):c.15987C>A (p.Tyr5329Ter)

Gene: ADGRV1 (adhesion G protein-coupled receptor V1; plus strand). Cytogenetic location: 5q14.3.
Variant type: single nucleotide variant.
Coding change: c.15987C>A on transcript NM_032119.4 (MANE Select); coding-DNA position 15987, C replaced by A.
Protein change: p.Tyr5329Ter; replaces tyrosine 5329 with a stop codon.
Molecular consequence: nonsense. On other transcripts: non-coding transcript variant (1).
Genome position (GRCh38, 1-based): chr5:90,811,247, C>A. VCF-style: chr5-90811247-C-A. GRCh37 (hg19) VCF-style: chr5-90107064-C-A.
Other names: short protein forms Y5329*.
Identifiers: ClinVar variation 4780063 (VCV004780063.1).